The following is an entry in ClinVar:

ClinVar aggregate classification (germline): Uncertain significance (1 of 4 stars; one submission).

Conditions:
Cardiovascular phenotype. Identifiers: MedGen CN230736.

Submission:

Ambry Genetics
Classification: Uncertain significance for Cardiovascular phenotype. Last evaluated: 2025-07-09. Review status: criteria provided, single submitter. Criteria: Ambry Variant Classification Scheme 2023. Collection method: clinical testing. Allele origin: germline.
Comment: The p.G97E variant (also known as c.290G>A), located in coding exon 2 of the JAG1 gene, results from a G to A substitution at nucleotide position 290. The glycine at codon 97 is replaced by glutamic acid, an amino acid with similar properties. This amino acid position is conserved. In addition, this alteration is predicted to be deleterious by in silico analysis. Based on the available evidence, the clinical significance of this variant remains unclear.

NM_000214.3(JAG1):c.290G>A (p.Gly97Glu)

Gene: JAG1 (jagged canonical Notch ligand 1; minus strand). Cytogenetic location: 20p12.2.
Variant type: single nucleotide variant.
Coding change: c.290G>A on transcript NM_000214.3 (MANE Select); coding-DNA position 290, G replaced by A.
Protein change: p.Gly97Glu; replaces glycine 97 with glutamic acid.
Molecular consequence: missense variant.
Genome position (GRCh38, 1-based): chr20:10,672,798, C>T on the plus strand (G>A on the coding strand, the complement: JAG1 is on the minus strand). VCF-style: chr20-10672798-C-T. GRCh37 (hg19) VCF-style: chr20-10653446-C-T.
Other names: short protein forms G97E.
Identifiers: ClinVar variation 4089129 (VCV004089129.1).